The following is an entry in ClinVar:

NM_000540.3(RYR1):c.11245G>T (p.Glu3749Ter)

Gene: RYR1 (ryanodine receptor 1; plus strand). Cytogenetic location: 19q13.2.
Variant type: single nucleotide variant.
Coding change: c.11245G>T on transcript NM_000540.3 (MANE Select); coding-DNA position 11245, G replaced by T.
Protein change: p.Glu3749Ter; replaces glutamic acid 3749 with a stop codon.
Molecular consequence: nonsense.
Genome position (GRCh38, 1-based): chr19:38,532,722, G>T. VCF-style: chr19-38532722-G-T. GRCh37 (hg19) VCF-style: chr19-39023362-G-T.
Other names: c.11230G>T, p.Glu3744Ter (NM_001042723.2); short protein forms E3744*, E3749*.
Identifiers: ClinVar variation 2067355 (VCV002067355.4), dbSNP rs2514517277, ClinGen allele CA405653332.
Genomic context (GRCh38, chr19:38,532,722, plus strand): 5'-CCTCCCCAGAGCTGCCACCTGGAGGAGGGAGGGGAGAACGGTGAAGCTGAAGAGGAGGTT[G>T]AGGTCTCCTTTGAGGTAGGTGGGCTCAGGAGGTCCTGGAGGGAAGGGATGGGGGACCCTG-3'

ClinVar aggregate classification (germline): Pathogenic (1 of 4 stars; one submission).

Conditions:
RYR1-related disorder. Also called: RYR1-related condition; RYR1-related disorders. Identifiers: MedGen CN239331.

Submission:

Labcorp Genetics (formerly Invitae), Labcorp
Classification: Pathogenic for RYR1-related disorder. Last evaluated: 2021-12-31. Review status: criteria provided, single submitter. Criteria: Invitae Variant Classification Sherloc (09022015). Collection method: clinical testing. Allele origin: germline.
Comment: For these reasons, this variant has been classified as Pathogenic. This variant has not been reported in the literature in individuals affected with RYR1-related conditions. This variant is not present in population databases (gnomAD no frequency). This sequence change creates a premature translational stop signal (p.Glu3749*) in the RYR1 gene. It is expected to result in an absent or disrupted protein product. Loss-of-function variants in RYR1 are known to be pathogenic (PMID: 20583297, 20839240, 23919265, 28818389).

Literature cited by the submitters: PubMed 20583297; PubMed 20839240; PubMed 23919265; PubMed 28818389.